The following is an entry in ClinVar:

ClinVar aggregate classification (germline): Uncertain significance (1 of 4 stars; one submission).

Conditions:
Long QT syndrome (LQTS). Identifiers: MedGen C0023976, MeSH D008133, MONDO:0002442. Disease mechanism: loss of function. Inheritance: Various modes of inheritance.

Allele frequency attached by ClinVar (database versions not stated): TOPMed below 0.00001; gnomAD 0.00001.
gnomAD v4.1: 1 of 1,613,968 alleles (0.000062%); highest among the groups gnomAD compares: Non-Finnish European, 0.000085%; no homozygotes.

Submission:

Labcorp Genetics (formerly Invitae), Labcorp
Classification: Uncertain significance for Long QT syndrome. Last evaluated: 2018-05-14. Review status: criteria provided, single submitter. Criteria: Invitae Variant Classification Sherloc (09022015). Collection method: clinical testing. Allele origin: germline.
Comment: In summary, the available evidence is currently insufficient to determine the role of this variant in disease. Therefore, it has been classified as a Variant of Uncertain Significance. Algorithms developed to predict the effect of missense changes on protein structure and function output the following: SIFT: "Tolerated"; PolyPhen-2: "Benign"; Align-GVGD: "Class C0". The threonine amino acid residue is found in multiple mammalian species, suggesting that this missense change does not adversely affect protein function. These predictions have not been confirmed by published functional studies and their clinical significance is uncertain. This variant has not been reported in the literature in individuals with ANK2-related disease. This variant is not present in population databases (ExAC no frequency). This sequence change replaces methionine with threonine at codon 3309 of the ANK2 protein (p.Met3309Thr). The methionine residue is weakly conserved and there is a moderate physicochemical difference between methionine and threonine.

NM_001148.6(ANK2):c.9926T>C (p.Met3309Thr)

Gene: ANK2 (ankyrin 2; plus strand). Cytogenetic location: 4q26.
Variant type: single nucleotide variant.
Coding change: c.9926T>C on transcript NM_001148.6 (MANE Select); coding-DNA position 9926, T replaced by C.
Protein change: p.Met3309Thr; replaces methionine 3309 with threonine.
Molecular consequence: missense variant. On other transcripts: intron variant (68).
Genome position (GRCh38, 1-based): chr4:113,358,544, T>C. VCF-style: chr4-113358544-T-C. GRCh37 (hg19) VCF-style: chr4-114279700-T-C.
Other names: c.9692T>C, p.Met3231Thr (NM_001386142.1); c.6326T>C, p.Met2109Thr (NM_001386166.1); c.10067T>C, p.Met3356Thr (NM_001386174.1); c.10043T>C, p.Met3348Thr (NM_001386175.1); c.4412-2279T>C (NM_001386186.2, NM_001386148.2); c.4214-2279T>C (NM_001354269.3); c.4292-2279T>C (NM_001386187.2); c.4253-2279T>C (NM_001386147.1); and 35 more; short protein forms M3309T, M2109T, M3231T, M3348T, M3356T.
Identifiers: ClinVar variation 581600 (VCV000581600.5), dbSNP rs1430897546, ClinGen allele CA357939300.